The following is an entry in ClinVar:

NM_080424.4(SP110):c.1591-6T>G

Gene: SP110 (SP110 nuclear body protein; minus strand). Cytogenetic location: 2q37.1.
Variant type: single nucleotide variant.
Coding change: c.1591-6T>G on transcript NM_080424.4 (MANE Select); 6 bases into the intron before coding-DNA position 1591, T replaced by G.
Molecular consequence: intron variant.
Genome position (GRCh38, 1-based): chr2:230,172,965, A>C on the plus strand (T>G on the coding strand, the complement: SP110 is on the minus strand). VCF-style: chr2-230172965-A-C. GRCh37 (hg19) VCF-style: chr2-231037681-A-C.
Other names: c.1609-6T>G (NM_001378446.1, NM_001378445.1, NM_001378442.1 and 1 more transcripts); c.1591-6T>G (NM_004509.5, NM_001378443.1).
Identifiers: ClinVar variation 334901 (VCV000334901.6), dbSNP rs200317062, ClinGen allele CA2154412.

ClinVar aggregate classification (germline): Uncertain significance. Review status: criteria provided, multiple submitters, no conflicts (2 of 4 stars). 2 submissions from 2 submitters: Uncertain significance (2). Last evaluated 2018-09-19.

Conditions:
Hepatic veno-occlusive disease-immunodeficiency syndrome. Also called: Hepatic Veno-Occlusive Disease with Immunodeficiency. Identifiers: Orphanet 79124, MedGen C1856128, MONDO:0009338, OMIM 235550. Disease mechanism: loss of function.

Allele frequency attached by ClinVar (database versions not stated): gnomAD 0.00001; gnomAD exomes 0.00001 and 0.00003; TOPMed 0.00002; ExAC 0.00003; 1000 Genomes Project 30x 0.00016; 1000 Genomes Project 0.00020.
gnomAD v4.1: 9 of 1,601,986 alleles (0.00056%); highest among the groups gnomAD compares: East Asian, 0.018%; no homozygotes.

Submissions (2):

Labcorp Genetics (formerly Invitae), Labcorp
Classification: Uncertain significance for Hepatic venoocclusive disease with immunodeficiency. Last evaluated: 2018-09-19. Review status: criteria provided, single submitter. Criteria: Invitae Variant Classification Sherloc (09022015). Collection method: clinical testing. Allele origin: germline.
Comment: This sequence change falls in intron 14 of the SP110 gene. It does not directly change the encoded amino acid sequence of the SP110 protein. This variant is present in population databases (rs200317062, ExAC 0.04%). This variant has not been reported in the literature in individuals with SP110-related disease. ClinVar contains an entry for this variant (Variation ID: 334901). Algorithms developed to predict the effect of sequence changes on RNA splicing suggest that this variant may disrupt the consensus splice site, but this prediction has not been confirmed by published transcriptional studies. In summary, the available evidence is currently insufficient to determine the role of this variant in disease. Therefore, it has been classified as a Variant of Uncertain Significance.

Illumina Laboratory Services, Illumina
Classification: Uncertain significance for Hepatic veno-occlusive disease-immunodeficiency syndrome. Last evaluated: 2018-01-13. Review status: criteria provided, single submitter. Criteria: ICSL Variant Classification Criteria 13 December 2019. Collection method: clinical testing. Allele origin: germline.